The following is an entry in ClinVar:

NM_000540.3(RYR1):c.11126C>T (p.Ala3709Val)

Gene: RYR1 (ryanodine receptor 1; plus strand). Cytogenetic location: 19q13.2.
Variant type: single nucleotide variant.
Coding change: c.11126C>T on transcript NM_000540.3 (MANE Select); coding-DNA position 11126, C replaced by T.
Protein change: p.Ala3709Val; replaces alanine 3709 with valine.
Molecular consequence: missense variant.
Genome position (GRCh38, 1-based): chr19:38,529,042, C>T. VCF-style: chr19-38529042-C-T. GRCh37 (hg19) VCF-style: chr19-39019682-C-T.
Other names: c.11126C>T (NM_000540.2); c.11111C>T, p.Ala3704Val (NM_001042723.2); short protein forms A3709V, A3704V.
Identifiers: ClinVar variation 478157 (VCV000478157.12), dbSNP rs1555791418, ClinGen allele CA405650411.

ClinVar aggregate classification (germline): Uncertain significance. Review status: reviewed by expert panel (3 of 4 stars). 2 submissions from 2 submitters: Uncertain significance (1). 1 of the submissions does not count toward it. Last evaluated 2025-08-01.

Conditions:
RYR1-related disorder. Also called: RYR1-related condition; RYR1-related disorders. Identifiers: MedGen CN239331.
Malignant hyperthermia, susceptibility to, 1 (MHS1). Also called: Anesthesia related hyperthermia; Malignant hyperpyrexia; Fulminating hyperpyrexia; Pharmacogenic myopathy; Malignant hyperthermia suceptibility 1; RYR1-Related Malignant Hyperthermia Susceptibility. Identifiers: Orphanet 423, MedGen C2930980, MONDO:0007783, OMIM 145600.

Submissions (2):

ClinGen Malignant Hyperthermia Susceptibility Variant Curation Expert Panel, ClinGen
Classification: Uncertain significance for Malignant hyperthermia, susceptibility to, 1. Last evaluated: 2025-08-01. Review status: reviewed by expert panel. Criteria: ClinGen MHS ACMG Specifications V2. Collection method: curation. Allele origin: germline. Inheritance: Autosomal dominant inheritance.
Comment: This pathogenicity assessment is relevant only for malignant hyperthermia susceptibility (MHS) inherited in an autosomal dominant pattern. Variants in RYR1 can also cause other myopathies inherited in an autosomal dominant pattern or in an autosomal recessive pattern. Some of these disorders may predispose individuals to malignant hyperthermia. RYR1 variants may also contribute to a malignant hyperthermia reaction in combination with other genetic and non-genetic factors and the clinician needs to consider such factors in making management decisions. This sequence variant predicts a substitution of alanine with valine at codon 3709 of the RYR1 protein, p.(Ala3709Val). This variant was not present in a large population database (gnomAD) at the time this variant was interpreted. This variant has been reported in an individual with a personal or family history of an MH episode and a positive in vitro contracture test (IVCT) or caffeine halothane contracture test (CHCT) result (if the proband was unavailable for testing, a positive diagnostic test result in a mutation-positive relative was counted), PS4_Supporting (PMID:21965348). No functional studies were identified for this variant. This variant does not reside in a hotspot for pathogenic variants that contribute to MHS. A REVEL score of 0.793 supports neither a pathogenic nor a benign status for this variant. This variant has been classified as a Variant of Unknown Significance. Criteria implemented: PS4_Supporting.

Labcorp Genetics (formerly Invitae), Labcorp
Classification: Pathogenic for RYR1-related disorder. Last evaluated: 2023-03-01. Review status: criteria provided, single submitter. Criteria: Invitae Variant Classification Sherloc (09022015). Collection method: clinical testing. Allele origin: germline. Not counted in ClinVar's aggregate classification.
Comment: This variant is not present in population databases (gnomAD no frequency). This missense change has been observed in individual(s) with malignant hyperthermia susceptibility or autosomal dominant congenital myopathy (PMID: 21965348, 31321302; Invitae). ClinVar contains an entry for this variant (Variation ID: 478157). Advanced modeling of protein sequence and biophysical properties (such as structural, functional, and spatial information, amino acid conservation, physicochemical variation, residue mobility, and thermodynamic stability) performed at Invitae indicates that this missense variant is expected to disrupt RYR1 protein function. For these reasons, this variant has been classified as Pathogenic. This sequence change replaces alanine, which is neutral and non-polar, with valine, which is neutral and non-polar, at codon 3709 of the RYR1 protein (p.Ala3709Val).

Literature cited by the submitters: PubMed 21965348 (cited by Labcorp Genetics (formerly Invitae), Labcorp); PubMed 31321302 (cited by Labcorp Genetics (formerly Invitae), Labcorp).